The following is an entry in ClinVar:

ClinVar aggregate classification (germline): Uncertain significance (1 of 4 stars; one submission).

Conditions:
Cardiovascular phenotype. Identifiers: MedGen CN230736.

gnomAD v4.1: 1 of 1,614,206 alleles (0.000062%); highest among the groups gnomAD compares: South Asian, 0.0011%; no homozygotes.

Submission:

Ambry Genetics
Classification: Uncertain significance for Cardiovascular phenotype. Last evaluated: 2024-06-09. Review status: criteria provided, single submitter. Criteria: Ambry Variant Classification Scheme 2023. Collection method: clinical testing. Allele origin: germline.
Comment: The p.M419V variant (also known as c.1255A>G), located in coding exon 10 of the LAMA4 gene, results from an A to G substitution at nucleotide position 1255. The methionine at codon 419 is replaced by valine, an amino acid with highly similar properties. This amino acid position is highly conserved in available vertebrate species. In addition, the in silico prediction for this alteration is inconclusive. Since supporting evidence is limited at this time, the clinical significance of this alteration remains unclear.

NM_001105206.3(LAMA4):c.1276A>G (p.Met426Val)

Gene: LAMA4 (laminin subunit alpha 4; minus strand). Cytogenetic location: 6q21.
Variant type: single nucleotide variant.
Coding change: c.1276A>G on transcript NM_001105206.3 (MANE Select); coding-DNA position 1276, A replaced by G.
Protein change: p.Met426Val; replaces methionine 426 with valine.
Molecular consequence: missense variant.
Genome position (GRCh38, 1-based): chr6:112,175,394, T>C on the plus strand (A>G on the coding strand, the complement: LAMA4 is on the minus strand). VCF-style: chr6-112175394-T-C. GRCh37 (hg19) VCF-style: chr6-112496596-T-C.
Other names: c.1255A>G, p.Met419Val (NM_001105207.3, NM_002290.5); short protein forms M419V, M426V.
Identifiers: ClinVar variation 1761623 (VCV001761623.3), dbSNP rs782479589, ClinGen allele CA365371858.